The following is an entry in ClinVar:

NM_194248.3(OTOF):c.5713-2A>G

Gene: OTOF (otoferlin; minus strand). Cytogenetic location: 2p23.3.
Variant type: single nucleotide variant.
Coding change: c.5713-2A>G on transcript NM_194248.3 (MANE Select); the canonical splice acceptor site of the intron before coding-DNA position 5713, A replaced by G.
Molecular consequence: splice acceptor variant.
Genome position (GRCh38, 1-based): chr2:26,460,749, T>C on the plus strand (A>G on the coding strand, the complement: OTOF is on the minus strand). VCF-style: chr2-26460749-T-C. GRCh37 (hg19) VCF-style: chr2-26683617-T-C.
Other names: c.5713-2A>G (NM_001287489.2); c.3412-2A>G (NM_194323.3, NM_004802.4); c.3643-2A>G (NM_194322.3).
Identifiers: ClinVar variation 48268 (VCV000048268.11), dbSNP rs111033455, ClinGen allele CA262050.

ClinVar aggregate classification (germline): Likely pathogenic. Review status: criteria provided, multiple submitters, no conflicts (2 of 4 stars). 3 submissions from 3 submitters: Likely pathogenic (2). 1 of the submissions does not count toward it. Last evaluated 2025-12-06.

Conditions:
Rare genetic deafness. Identifiers: Orphanet 96210, MedGen C5680250.

Allele frequency attached by ClinVar (database versions not stated): ExAC 0.00001; gnomAD 0.00002 and 0.00003; TOPMed 0.00003; gnomAD exomes 0.00002.
gnomAD v4.1: 16 of 1,613,828 alleles (0.00099%); highest among the groups gnomAD compares: Non-Finnish European, 0.00017%; no homozygotes.

Submissions (3):

Labcorp Genetics (formerly Invitae), Labcorp
Classification: Likely pathogenic. Last evaluated: 2025-12-06. Review status: criteria provided, single submitter. Criteria: Invitae Variant Classification Sherloc (09022015). Collection method: clinical testing. Allele origin: germline.
Comment: This sequence change affects an acceptor splice site in intron 44 of the OTOF gene. It is expected to disrupt RNA splicing. Variants that disrupt the donor or acceptor splice site typically lead to a loss of protein function (PMID: 16199547), and loss-of-function variants in OTOF are known to be pathogenic (PMID: 18381613, 19250381, 22575033). This variant is present in population databases (rs111033455, gnomAD 0.04%). Disruption of this splice site has been observed in individual(s) with deafness (PMID: 22575033, 31379920, 34424407). ClinVar contains an entry for this variant (Variation ID: 48268). Algorithms developed to predict the effect of sequence changes on RNA splicing suggest that this variant may disrupt the consensus splice site. In summary, the currently available evidence indicates that the variant is pathogenic, but additional data are needed to prove that conclusively. Therefore, this variant has been classified as Likely Pathogenic.

GeneDx
Classification: Likely pathogenic. Last evaluated: 2024-05-02. Review status: criteria provided, single submitter. Criteria: GeneDx Variant Classification Process June 2021. Collection method: clinical testing. Allele origin: germline. Affected: yes.
Comment: Canonical splice site variant predicted to result in a null allele in a gene for which loss of function is a known mechanism of disease; This variant is associated with the following publications: (PMID: 34424407, 31379920, 22575033)

Laboratory for Molecular Medicine, Mass General Brigham Personalized Medicine
Classification: Likely pathogenic for Rare genetic deafness. Last evaluated: 2009-10-05. Review status: no assertion criteria provided. Collection method: clinical testing. Allele origin: germline. Observed: 3 variant alleles. Not counted in ClinVar's aggregate classification.

Literature cited by the submitters: PubMed 16199547 (cited by Labcorp Genetics (formerly Invitae), Labcorp); PubMed 18381613 (cited by Labcorp Genetics (formerly Invitae), Labcorp); PubMed 19250381 (cited by Labcorp Genetics (formerly Invitae), Labcorp); PubMed 22575033 (cited by Labcorp Genetics (formerly Invitae), Labcorp and Laboratory for Molecular Medicine, Mass General Brigham Personalized Medicine); PubMed 31379920 (cited by Labcorp Genetics (formerly Invitae), Labcorp); PubMed 34424407 (cited by Labcorp Genetics (formerly Invitae), Labcorp).